The following is an entry in ClinVar:

ClinVar aggregate classification (germline): Uncertain significance (1 of 4 stars; one submission).

Allele frequency attached by ClinVar (database versions not stated): gnomAD 0.00001; TOPMed 0.00001.
gnomAD v4.1: 1 of 1,613,752 alleles (0.000062%); highest among the groups gnomAD compares: African/African-American, 0.0013%; no homozygotes.

Submission:

Ambry Genetics
Classification: Uncertain significance. Last evaluated: 2022-02-12. Review status: criteria provided, single submitter. Criteria: Ambry Variant Classification Scheme 2023. Collection method: clinical testing. Allele origin: germline.
Comment: The p.P1038S variant (also known as c.3112C>T), located in coding exon 17 of the PALLD gene, results from a C to T substitution at nucleotide position 3112. The proline at codon 1038 is replaced by serine, an amino acid with similar properties. This amino acid position is conserved. In addition, this alteration is predicted to be tolerated by in silico analysis. Since supporting evidence is limited at this time, the clinical significance of this alteration remains unclear.

NM_001166108.2(PALLD):c.3163C>T (p.Pro1055Ser)

Genes: CBR4 (carbonyl reductase 4; minus strand), PALLD (palladin, cytoskeletal associated protein; plus strand). Cytogenetic location: 4q32.3.
Variant type: single nucleotide variant.
Coding change: c.3163C>T on transcript NM_001166108.2 (MANE Select); coding-DNA position 3163, C replaced by T.
Protein change: p.Pro1055Ser; replaces proline 1055 with serine.
Molecular consequence: missense variant.
Genome position (GRCh38, 1-based): chr4:168,924,359, C>T. VCF-style: chr4-168924359-C-T. GRCh37 (hg19) VCF-style: chr4-169845510-C-T.
Other names: c.991C>T, p.Pro331Ser (NM_001367569.1, NM_001367567.1); c.1042C>T, p.Pro348Ser (NM_001367570.1, NM_001367568.1); c.1651C>T, p.Pro551Ser (NM_001166110.2); c.1966C>T, p.Pro656Ser (NM_001166109.2); c.3112C>T, p.Pro1038Ser (NM_016081.4); short protein forms P1055S, P348S, P551S, P1038S, P331S, P656S.
Identifiers: ClinVar variation 1727766 (VCV001727766.2), dbSNP rs1762169437, ClinGen allele CA358712450.